The following is an entry in ClinVar:

ClinVar aggregate classification (germline): Pathogenic. Review status: criteria provided, multiple submitters, no conflicts (2 of 4 stars). 2 submissions from 2 submitters: Pathogenic (2). Last evaluated 2025-12-09.

Conditions:
Developmental delay with dysmorphic facies and dental anomalies. Identifiers: MedGen C5543197, MONDO:0030988, OMIM 619228.

Allele frequency attached by ClinVar (database versions not stated): gnomAD 0.00001.
gnomAD v4.1: 1 of 1,613,992 alleles (0.000062%); highest among the groups gnomAD compares: Admixed American, 0.0017%; no homozygotes.

Submissions (2):

GeneDx
Classification: Pathogenic. Last evaluated: 2025-12-09. Review status: criteria provided, single submitter. Criteria: GeneDx Variant Classification Process June 2021. Collection method: clinical testing. Allele origin: germline.
Comment: Nonsense variant predicted to result in protein truncation or nonsense mediated decay in a gene for which loss of function is a known mechanism of disease; Not observed at significant frequency in large population cohorts (gnomAD); Has not been previously published as pathogenic or benign to our knowledge

Victorian Clinical Genetics Services, Murdoch Childrens Research Institute
Classification: Pathogenic for Developmental delay with dysmorphic facies and dental anomalies. Last evaluated: 2023-07-17. Review status: criteria provided, single submitter. Criteria: ACMG Guidelines, 2015. Collection method: clinical testing. Allele origin: germline. Inheritance: Autosomal dominant inheritance. Affected: yes.
Comment: Based on the classification scheme VCGS_Germline_v1.3.4, this variant is classified as Pathogenic. Following criteria are met: 0102 - Loss of function is a known mechanism of disease in this gene and is associated with developmental delay with dysmorphic facies and dental anomalies (MIM#619228). Dominant negative and/or gain of function are likely mechanisms for Kohlschutter-Tonz syndrome-like (MIM#619229), and have been reported by functional studies (PMID: 33513338). (I) 0107 - This gene is associated with autosomal dominant disease. (I) 0112 - The condition associated with this gene has incomplete penetrance, with variants inherited from unaffected parents (PMID: 33513338). (I) 0201 - Variant is predicted to cause nonsense-mediated decay (NMD) and loss of protein (premature termination codon is located at least 54 nucleotides upstream of the final exon-exon junction). (SP) 0254 - This variant is potentially mosaic, with a variant allele frequency of 25%. (I) 0302 - Variant is present in gnomAD (v3) <0.001 for a dominant condition (1 heterozygote, 0 homozygotes). (SP) 0702 - Other NMD-predicted variants comparable to the one identified in this case have strong previous evidence for pathogenicity. These variants have been reported once as a VUS, but moreso as likely pathogenic or pathogenic, and have been reported as de novo in individuals with global developmental delay (DECIPHER, ClinVar, PMID: 33513338). (SP) 0807 - This variant has no previous evidence of pathogenicity. (I) 0905 - No published segregation evidence has been identified for this variant. (I) 1007 - No published functional evidence has been identified for this variant. (SP) Legend: (SP) - Supporting pathogenic, (I) - Information, (SB) - Supporting benign

Literature cited by the submitters: PubMed 33513338 (cited by Victorian Clinical Genetics Services, Murdoch Childrens Research Institute).

NM_002971.6(SATB1):c.1657C>T (p.Arg553Ter)

Gene: SATB1 (SATB homeobox 1; minus strand). Cytogenetic location: 3p24.3.
Variant type: single nucleotide variant.
Coding change: c.1657C>T on transcript NM_002971.6 (MANE Select); coding-DNA position 1657, C replaced by T.
Protein change: p.Arg553Ter; replaces arginine 553 with a stop codon.
Molecular consequence: nonsense.
Genome position (GRCh38, 1-based): chr3:18,352,114, G>A on the plus strand (C>T on the coding strand, the complement: SATB1 is on the minus strand). VCF-style: chr3-18352114-G-A. GRCh37 (hg19) VCF-style: chr3-18393606-G-A.
Other names: c.1657C>T, p.Arg553Ter (NM_001131010.4, NM_001195470.3, NM_001322871.2 and 4 more transcripts); c.1441C>T, p.Arg481Ter (NM_001322876.2); c.1657C>T (NM_001195470.2); short protein forms R481*, R553*.
Identifiers: ClinVar variation 3255189 (VCV003255189.3), dbSNP rs145361574.
Genomic context (GRCh38, chr3:18,352,114, plus strand): 5'-CGTTGCTCTCCTGTTCATAAATGGCATCACGTTCTGGCTGAGGAAGACTGAGGAACCTTC[G>A]GATCATGGAGAGGTTCTCCCACAGGGTTCTGTTTTCTGGAGAAGGATCTTCTTTCCAGCG-3'